The following is an entry in ClinVar:

ClinVar aggregate classification (germline): Likely pathogenic (1 of 4 stars; one submission).

Allele frequency attached by ClinVar (database versions not stated): gnomAD exomes below 0.00001; gnomAD 0.00001; TOPMed 0.00001.
gnomAD v4.1: 3 of 1,614,032 alleles (0.00019%); highest among the groups gnomAD compares: African/African-American, 0.0013%; no homozygotes.

Submission:

Labcorp Genetics (formerly Invitae), Labcorp
Classification: Likely pathogenic. Last evaluated: 2025-12-08. Review status: criteria provided, single submitter. Criteria: Invitae Variant Classification Sherloc (09022015). Collection method: clinical testing. Allele origin: germline.
Comment: This sequence change affects an acceptor splice site in intron 2 of the CA4 gene. It is expected to disrupt RNA splicing. Variants that disrupt the donor or acceptor splice site typically lead to a loss of protein function (PMID: 16199547), and loss-of-function variants in CA4 are known to be pathogenic (PMID: 33090715). This variant is present in population databases (no rsID available, gnomAD 0.007%). This variant has not been reported in the literature in individuals affected with CA4-related conditions. ClinVar contains an entry for this variant (Variation ID: 1910917). Algorithms developed to predict the effect of sequence changes on RNA splicing suggest that this variant may disrupt the consensus splice site. In summary, the currently available evidence indicates that the variant is pathogenic, but additional data are needed to prove that conclusively. Therefore, this variant has been classified as Likely Pathogenic.

Literature cited by the submitters: PubMed 16199547; PubMed 33090715.

NM_000717.5(CA4):c.113-2A>C

Gene: CA4 (carbonic anhydrase 4; plus strand). Cytogenetic location: 17q23.1.
Variant type: single nucleotide variant.
Coding change: c.113-2A>C on transcript NM_000717.5 (MANE Select); the canonical splice acceptor site of the intron before coding-DNA position 113, A replaced by C.
Molecular consequence: splice acceptor variant.
Genome position (GRCh38, 1-based): chr17:60,156,558, A>C. VCF-style: chr17-60156558-A-C. GRCh37 (hg19) VCF-style: chr17-58233919-A-C.
Identifiers: ClinVar variation 1910917 (VCV001910917.5), dbSNP rs980055405, ClinGen allele CA292204894.
Genomic context (GRCh38, chr17:60,156,558, plus strand): 5'-GGTGGGGGCTACACCTTGGTGCCAGGCACCCGACTCTCAGCCCACCTTCTCTCCCTGCTC[A>C]GTGCCAGTCAAGTGGGGTGGAAACTGCCAGAAGGACCGCCAGTCCCCCATCAACATCGTC-3'